The following is an entry in ClinVar:

NM_001035.3(RYR2):c.464G>A (p.Gly155Glu)

Gene: RYR2 (ryanodine receptor 2; plus strand). Cytogenetic location: 1q43.
Variant type: single nucleotide variant.
Coding change: c.464G>A on transcript NM_001035.3 (MANE Select); coding-DNA position 464, G replaced by A.
Protein change: p.Gly155Glu; replaces glycine 155 with glutamic acid.
Molecular consequence: missense variant.
Genome position (GRCh38, 1-based): chr1:237,377,323, G>A. VCF-style: chr1-237377323-G-A. GRCh37 (hg19) VCF-style: chr1-237540623-G-A.
Other names: c.464G>A, p.Gly155Glu (LRG_402t1); short protein forms G155E.
Identifiers: ClinVar variation 404212 (VCV000404212.10), dbSNP rs1060500152, ClinGen allele CA16609985.

ClinVar aggregate classification (germline): Uncertain significance (1 of 4 stars; one submission).

Conditions:
Catecholaminergic polymorphic ventricular tachycardia 1. Also called: VENTRICULAR TACHYCARDIA, CATECHOLAMINERGIC POLYMORPHIC, 1, WITH OR WITHOUT ATRIAL DYSFUNCTION AND/OR DILATED CARDIOMYOPATHY; RYR2-Related Catecholaminergic Polymorphic Ventricular Tachycardia; VENTRICULAR TACHYCARDIA, STRESS-INDUCED POLYMORPHIC 1. Identifiers: Orphanet 3286, MedGen C1631597, MONDO:0011484, OMIM 604772.

Submission:

Labcorp Genetics (formerly Invitae), Labcorp
Classification: Uncertain significance for Catecholaminergic polymorphic ventricular tachycardia 1. Last evaluated: 2023-09-03. Review status: criteria provided, single submitter. Criteria: Invitae Variant Classification Sherloc (09022015). Collection method: clinical testing. Allele origin: germline.
Comment: This sequence change replaces glycine, which is neutral and non-polar, with glutamic acid, which is acidic and polar, at codon 155 of the RYR2 protein (p.Gly155Glu). This variant is not present in population databases (gnomAD no frequency). In summary, the available evidence is currently insufficient to determine the role of this variant in disease. Therefore, it has been classified as a Variant of Uncertain Significance. An algorithm developed to predict the effect of missense changes on protein structure and function (PolyPhen-2) suggests that this variant is likely to be tolerated. ClinVar contains an entry for this variant (Variation ID: 404212). This variant has not been reported in the literature in individuals affected with RYR2-related conditions.